The following is an entry in ClinVar:

ClinVar aggregate classification (germline): Likely benign (1 of 4 stars; one submission).

Submission:

CeGaT Center for Human Genetics Tuebingen
Classification: Likely benign. Last evaluated: 2025-04-01. Review status: criteria provided, single submitter. Criteria: CeGaT Center For Human Genetics Tuebingen Variant Classification Criteria Version 2. Collection method: clinical testing. Allele origin: germline. Affected: yes. Observed: 1 variant allele.
Comment: SRRM2: BP4, BP7, BS1

NM_016333.4(SRRM2):c.2682C>T (p.Ser894=)

Gene: SRRM2 (serine/arginine repetitive matrix 2; plus strand). Cytogenetic location: 16p13.3.
Variant type: single nucleotide variant.
Coding change: c.2682C>T on transcript NM_016333.4 (MANE Select); coding-DNA position 2682, C replaced by T.
Protein change: p.Ser894=; no amino-acid change (serine 894 retained).
Molecular consequence: synonymous variant.
Genome position (GRCh38, 1-based): chr16:2,763,210, C>T. VCF-style: chr16-2763210-C-T. GRCh37 (hg19) VCF-style: chr16-2813211-C-T.
Identifiers: ClinVar variation 3898203 (VCV003898203.7).